The following is an entry in ClinVar:

NM_033380.3(COL4A5):c.809G>A (p.Gly270Glu)

Gene: COL4A5 (collagen type IV alpha 5 chain; plus strand). Cytogenetic location: Xq22.3.
Variant type: single nucleotide variant.
Coding change: c.809G>A on transcript NM_033380.3 (MANE Select); coding-DNA position 809, G replaced by A.
Protein change: p.Gly270Glu; replaces glycine 270 with glutamic acid.
Molecular consequence: missense variant.
Genome position (GRCh38, 1-based): chrX:108,580,561, G>A. VCF-style: chrX-108580561-G-A. GRCh37 (hg19) VCF-style: chrX-107823791-G-A.
Other names: c.809G>A, p.Gly270Glu (NM_000495.5); short protein forms G270E.
Identifiers: ClinVar variation 4293573 (VCV004293573.1).

ClinVar aggregate classification (germline): Likely pathogenic (1 of 4 stars; one submission).

Conditions:
X-linked Alport syndrome (ATS1). Also called: NEPHROPATHY AND DEAFNESS, X-LINKED; COL4A5-Related Nephropathy. Identifiers: Orphanet 63, Orphanet 88917, MedGen C4746986, MONDO:0010520, OMIM 301050.

Submission:

3billion
Classification: Likely pathogenic for X-linked Alport syndrome. Last evaluated: 2024-12-09. Review status: criteria provided, single submitter. Criteria: ACMG Guidelines, 2015. Collection method: clinical testing. Allele origin: germline. Affected: yes.
Comment: The variant is not observed in the gnomAD v4.1.0 dataset. Predicted Consequence/Location: Missense variant In silico tool predictions suggest damaging effect of the variant on gene or gene product [REVEL: 0.95 (>=0.6, sensitivity 0.68 and specificity 0.92); 3Cnet: 0.88 (>=0.6, sensitivity 0.72 and precision 0.9)]. The same nucleotide change resulting in the same amino acid change has been previously reported to be associated with COL4A5-related disorder (PMID: 37100867). The variant has been observed in at least two similarly affected unrelated individuals (PMID: 37100867 /3billion dataset). A different missense change at the same codon (p.Gly270Val) has been reported to be associated with COL4A5-related disorder (ClinVar ID: VCV003256885). Therefore, this variant is classified as Likely pathogenic according to the recommendation of ACMG/AMP guideline.

Literature cited by the submitters: PubMed 37100867.